The following is an entry in ClinVar:

NM_001123385.2(BCOR):c.3987G>C (p.Lys1329Asn)

Gene: BCOR (BCL6 corepressor; minus strand). Cytogenetic location: Xp11.4.
Variant type: single nucleotide variant.
Coding change: c.3987G>C on transcript NM_001123385.2 (MANE Select); coding-DNA position 3987, G replaced by C.
Protein change: p.Lys1329Asn; replaces lysine 1329 with asparagine.
Molecular consequence: missense variant.
Genome position (GRCh38, 1-based): chrX:40,062,932, C>G on the plus strand (G>C on the coding strand, the complement: BCOR is on the minus strand). VCF-style: chrX-40062932-C-G. GRCh37 (hg19) VCF-style: chrX-39922185-C-G.
Other names: c.3885G>C, p.Lys1295Asn (NM_001123383.2, NM_017745.6); c.3831G>C, p.Lys1277Asn (NM_001123384.2); short protein forms K1329N, K1277N, K1295N.
Identifiers: ClinVar variation 1450387 (VCV001450387.8), dbSNP rs752258567, ClinGen allele CA10386526.
Genomic context (GRCh38, chrX:40,062,932, plus strand): 5'-TTTCTGCAGCAGGGAGGCAGCCTGGCAATCCTCTTCTTCGTCTGCACACAGCACATCTGT[C>G]TTCTGGTTTTCTTTAATTTTCTGCTGTTTGGCAGGCGGCCTGGAGGCTGGTGCGCAGCTT-3'
Protein context (NP_001116857.1, residues 1319-1339): AKQQKIKENQ[Lys1329Asn]TDVLCADEEE

ClinVar aggregate classification (germline): Uncertain significance (1 of 4 stars; one submission).

Conditions:
Oculofaciocardiodental syndrome (MCOPS2). Identifiers: Orphanet 2712, MedGen C1846265, MONDO:0010261, OMIM 300166.

Allele frequency attached by ClinVar (database versions not stated): gnomAD exomes below 0.00001 and 0.00001; TOPMed 0.00001; ExAC 0.00004.
gnomAD v4.1: 2 of 1,206,557 alleles (0.00017%); highest among the groups gnomAD compares: Admixed American, 0.0044%; no homozygotes.

Submission:

Labcorp Genetics (formerly Invitae), Labcorp
Classification: Uncertain significance for Oculofaciocardiodental syndrome. Last evaluated: 2021-03-03. Review status: criteria provided, single submitter. Criteria: Invitae Variant Classification Sherloc (09022015). Collection method: clinical testing. Allele origin: germline.
Comment: In summary, the available evidence is currently insufficient to determine the role of this variant in disease. Therefore, it has been classified as a Variant of Uncertain Significance. Algorithms developed to predict the effect of missense changes on protein structure and function are either unavailable or do not agree on the potential impact of this missense change (SIFT: "Deleterious"; PolyPhen-2: "Benign"; Align-GVGD: "Class C65"). This variant has not been reported in the literature in individuals with BCOR-related conditions. This sequence change replaces lysine with asparagine at codon 1295 of the BCOR protein (p.Lys1295Asn). The lysine residue is highly conserved and there is a moderate physicochemical difference between lysine and asparagine. This variant is present in population databases (rs752258567, ExAC 0.04%).